The following is an entry in ClinVar:

NM_031889.3(ENAM):c.2169C>G (p.Ser723Arg)

Gene: ENAM (enamelin; plus strand). Cytogenetic location: 4q13.3.
Variant type: single nucleotide variant.
Coding change: c.2169C>G on transcript NM_031889.3 (MANE Select); coding-DNA position 2169, C replaced by G.
Protein change: p.Ser723Arg; replaces serine 723 with arginine.
Molecular consequence: missense variant.
Genome position (GRCh38, 1-based): chr4:70,643,595, C>G. VCF-style: chr4-70643595-C-G. GRCh37 (hg19) VCF-style: chr4-71509312-C-G.
Other names: c.1515C>G, p.Ser505Arg (NM_001368133.1); short protein forms S505R, S723R.
Identifiers: ClinVar variation 2635764 (VCV002635764.1), dbSNP rs369982478, ClinGen allele CA2952228.
Genomic context (GRCh38, chr4:70,643,595, plus strand): 5'-TTTAGATAATCCATCAAAACCAAGGGAGGATTTTTATTACAGTGAATTTTACCCATGGAG[C>G]CCGGATGAGAATTTTCCATCATATAATACAGCTTCTACTATGCCACCACCTATAGAGAGC-3'
Protein context (NP_114095.2, residues 713-733): DFYYSEFYPW[Ser723Arg]PDENFPSYNT

ClinVar aggregate classification (germline): Uncertain significance (1 of 4 stars; one submission).

Conditions:
ENAM-related disorder. Also called: ENAM-related condition.

Allele frequency attached by ClinVar (database versions not stated): gnomAD exomes below 0.00001; ExAC 0.00001; gnomAD 0.00002; TOPMed 0.00002; ESP Exome Variant Server 0.00008.
gnomAD v4.1: 5 of 1,613,864 alleles (0.00031%); highest among the groups gnomAD compares: African/African-American, 0.0053%; no homozygotes.

Submission:

PreventionGenetics, part of Exact Sciences
Classification: Uncertain significance for ENAM-related condition. Last evaluated: 2022-11-14. Review status: criteria provided, single submitter. Criteria: ACMG Guidelines, 2015. Collection method: clinical testing. Allele origin: germline.
Comment: The ENAM c.2169C>G variant is predicted to result in the amino acid substitution p.Ser723Arg. To our knowledge, this variant has not been reported in the literature. This variant is reported in 0.0% of alleles in individuals of African descent in gnomAD. At this time, the clinical significance of this variant is uncertain due to the absence of conclusive functional and genetic evidence.